The following is an entry in ClinVar:

ClinVar aggregate classification (germline): Uncertain significance (1 of 4 stars; one submission).

Conditions:
Nemaline myopathy 8 (NEM8). Also called: Nemaline myopathy 8, autosomal recessive. Identifiers: Orphanet 171430, MedGen C3809209, MONDO:0014138, OMIM 615348.

Allele frequency attached by ClinVar (database versions not stated): gnomAD 0.00001; gnomAD exomes 0.00001; TOPMed 0.00001; ExAC 0.00002.

Submission:

Labcorp Genetics (formerly Invitae), Labcorp
Classification: Uncertain significance for Nemaline myopathy 8. Last evaluated: 2023-10-03. Review status: criteria provided, single submitter. Criteria: Invitae Variant Classification Sherloc (09022015). Collection method: clinical testing. Allele origin: germline.
Comment: This sequence change replaces glycine, which is neutral and non-polar, with serine, which is neutral and polar, at codon 595 of the KLHL40 protein (p.Gly595Ser). This variant is present in population databases (rs774421024, gnomAD 0.004%). This variant has not been reported in the literature in individuals affected with KLHL40-related conditions. Advanced modeling of protein sequence and biophysical properties (such as structural, functional, and spatial information, amino acid conservation, physicochemical variation, residue mobility, and thermodynamic stability) performed at Invitae indicates that this missense variant is not expected to disrupt KLHL40 protein function. In summary, the available evidence is currently insufficient to determine the role of this variant in disease. Therefore, it has been classified as a Variant of Uncertain Significance.

NM_152393.4(KLHL40):c.1783G>A (p.Gly595Ser)

Gene: KLHL40 (kelch like family member 40; plus strand). Cytogenetic location: 3p22.1.
Variant type: single nucleotide variant.
Coding change: c.1783G>A on transcript NM_152393.4 (MANE Select); coding-DNA position 1783, G replaced by A.
Protein change: p.Gly595Ser; replaces glycine 595 with serine.
Molecular consequence: missense variant.
Genome position (GRCh38, 1-based): chr3:42,691,910, G>A. VCF-style: chr3-42691910-G-A. GRCh37 (hg19) VCF-style: chr3-42733402-G-A.
Other names: short protein forms G595S.
Identifiers: ClinVar variation 2703500 (VCV002703500.2), dbSNP rs774421024, ClinGen allele CA2337093.